The following is an entry in ClinVar:

NM_000051.4(ATM):c.3994-161_3994-158del

Gene: ATM (ATM serine/threonine kinase; plus strand). Cytogenetic location: 11q22.3.
Variant type: Deletion.
Coding change: c.3994-161_3994-158del on transcript NM_000051.4 (MANE Select); 161 bases into the intron before coding-DNA position 3994 through 158 bases into the intron before coding-DNA position 3994, 4 bases deleted (GTAG; older notation c.3994-161_3994-158delGTAG).
Molecular consequence: intron variant.
Genome position (GRCh38, 1-based): chr11:108,287,439-108,287,442, GTAG deleted; deleting any 4 consecutive bases within chr11:108,287,437-108,287,442 gives the same sequence; the c. name uses the placement nearest the transcript's 3' end. VCF-style (leftmost placement, unchanged base first): chr11-108287436-AAGGT-A. GRCh37 (hg19) VCF-style: chr11-108158163-AAGGT-A.
Other names: c.3994-161_3994-158del (NM_001351834.2).
Identifiers: ClinVar variation 3775798 (VCV003775798.1).

ClinVar aggregate classification (germline): Uncertain significance (1 of 4 stars; one submission).

Conditions:
Ataxia-telangiectasia syndrome (AT). Also called: Ataxia-telangiectasia; ATAXIA-TELANGIECTASIA, FRESNO VARIANT; Ataxia-telangiectasia, complementation group E; ATAXIA-TELANGIECTASIA, COMPLEMENTATION GROUP A; Ataxia telangiectasia (A-T); Cerebello-oculocutaneous telangiectasia. Identifiers: Orphanet 100, MedGen C0004135, MONDO:0008840, OMIM 208900.

Submission:

3billion
Classification: Uncertain significance for Ataxia-telangiectasia syndrome. Last evaluated: 2023-12-08. Review status: criteria provided, single submitter. Criteria: ACMG Guidelines, 2015. Collection method: clinical testing. Allele origin: germline. Affected: yes.
Comment: The variant is not observed in the gnomAD v2.1.1 dataset. Predicted Consequence/Location: Intron variant In silico tools predict the variant to alter splicing and produce an abnormal transcript [SpliceAI: 0.35 (>=0.2, moderate evidence for spliceogenicity)]. Therefore, this variant is classified as VUS according to the recommendation of ACMG/AMP guideline.